The following is an entry in ClinVar:

NM_014049.5(ACAD9):c.933G>T (p.Val311=)

Genes: ACAD9 (acyl-CoA dehydrogenase family member 9; plus strand), LOC126806807 (BRD4-independent group 4 enhancer GRCh37_chr3:128620937-128622136; plus strand). Cytogenetic location: 3q21.3.
Variant type: single nucleotide variant.
Coding change: c.933G>T on transcript NM_014049.5 (MANE Select); coding-DNA position 933, G replaced by T.
Protein change: p.Val311=; no amino-acid change (valine 311 retained).
Molecular consequence: synonymous variant. On other transcripts: non-coding transcript variant (1).
Genome position (GRCh38, 1-based): chr3:128,902,603, G>T. VCF-style: chr3-128902603-G-T. GRCh37 (hg19) VCF-style: chr3-128621446-G-T.
Identifiers: ClinVar variation 381285 (VCV000381285.15), dbSNP rs549000613, ClinGen allele CA2601351.
Genomic context (GRCh38, chr3:128,902,603, plus strand): 5'-CTCCCTGCAGGTGGCCATGAACATCCTCAACAGCGGCCGGTTCAGCATGGGCAGCGTCGT[G>T]GCTGGGCTGCTCAAGAGATTGATTGGTAGGTAAGTTAGGGACAAGGCCCTTTGTGCCCCA-3'
Protein context (NP_054768.2, residues 301-321): NSGRFSMGSV[Val311=]AGLLKRLIEM

ClinVar aggregate classification (germline): Likely benign. Review status: criteria provided, multiple submitters, no conflicts (2 of 4 stars). 4 submissions from 4 submitters: Likely benign (3). 1 of the submissions does not count toward it. Last evaluated 2026-01-19.

Conditions:
ACAD9-related disorder. Also called: ACAD9-related condition.

Allele frequency attached by ClinVar (database versions not stated): gnomAD below 0.00001 and 0.00008; TOPMed 0.00001; gnomAD exomes 0.00003 and 0.00005; ExAC 0.00006; 1000 Genomes Project 30x 0.00094; 1000 Genomes Project 0.00100.

Submissions (4):

Labcorp Genetics (formerly Invitae), Labcorp
Classification: Likely benign. Last evaluated: 2026-01-19. Review status: criteria provided, single submitter. Criteria: Invitae Variant Classification Sherloc (09022015). Collection method: clinical testing. Allele origin: germline.

Blueprint Genetics
Classification: Likely benign. Last evaluated: 2021-06-10. Review status: criteria provided, single submitter. Criteria: ACMG Guidelines, 2015. Collection method: clinical testing. Allele origin: germline.

GeneDx
Classification: Likely benign. Last evaluated: 2015-10-27. Review status: criteria provided, single submitter. Criteria: GeneDx Variant Classification (06012015). Collection method: clinical testing. Allele origin: germline. Affected: yes.
Comment: This variant is considered likely benign or benign based on one or more of the following criteria: it is a conservative change, it occurs at a poorly conserved position in the protein, it is predicted to be benign by multiple in silico algorithms, and/or has population frequency not consistent with disease.

PreventionGenetics, part of Exact Sciences
Classification: Likely benign for ACAD9-related condition. Last evaluated: 2019-11-26. Review status: no assertion criteria provided. Collection method: clinical testing. Allele origin: germline. Not counted in ClinVar's aggregate classification.
Comment: This variant is classified as likely benign based on ACMG/AMP sequence variant interpretation guidelines (Richards et al. 2015 PMID: 25741868, with internal and published modifications).